The following is an entry in ClinVar:

NM_021229.4(NTN4):c.1163C>G (p.Ala388Gly)

Gene: NTN4 (netrin 4; minus strand). Cytogenetic location: 12q22.
Variant type: single nucleotide variant.
Coding change: c.1163C>G on transcript NM_021229.4 (MANE Select); coding-DNA position 1163, C replaced by G.
Protein change: p.Ala388Gly; replaces alanine 388 with glycine.
Molecular consequence: missense variant.
Genome position (GRCh38, 1-based): chr12:95,710,458, G>C on the plus strand (C>G on the coding strand, the complement: NTN4 is on the minus strand). VCF-style: chr12-95710458-G-C. GRCh37 (hg19) VCF-style: chr12-96104236-G-C.
Other names: c.1052C>G, p.Ala351Gly (NM_001329701.2, NM_001329702.2); c.1163C>G, p.Ala388Gly (NM_001329700.2); short protein forms A351G, A388G.
Identifiers: ClinVar variation 1694672 (VCV001694672.31), dbSNP rs1565892341, ClinGen allele CA386076540.

ClinVar aggregate classification (germline): Uncertain significance (1 of 4 stars; one submission).

Allele frequency attached by ClinVar (database versions not stated): TOPMed below 0.00001.
gnomAD v4.1: 5 of 1,613,384 alleles (0.00031%); highest among the groups gnomAD compares: Non-Finnish European, 0.00042%; no homozygotes.

Submission:

CeGaT Center for Human Genetics Tuebingen
Classification: Uncertain significance. Last evaluated: 2022-06-01. Review status: criteria provided, single submitter. Criteria: CeGaT Center For Human Genetics Tuebingen Variant Classification Criteria Version 2. Collection method: clinical testing. Allele origin: germline. Affected: yes. Observed: 1 variant allele.
Comment: NTN4: PM2, BP4